The following is an entry in ClinVar:

NM_022773.4(LMF1):c.1150C>T (p.Leu384Phe)

Gene: LMF1 (lipase maturation factor 1; minus strand). Cytogenetic location: 16p13.3.
Variant type: single nucleotide variant.
Coding change: c.1150C>T on transcript NM_022773.4 (MANE Select); coding-DNA position 1150, C replaced by T.
Protein change: p.Leu384Phe; replaces leucine 384 with phenylalanine.
Molecular consequence: missense variant. On other transcripts: non-coding transcript variant (1).
Genome position (GRCh38, 1-based): chr16:870,811, G>A on the plus strand (C>T on the coding strand, the complement: LMF1 is on the minus strand). VCF-style: chr16-870811-G-A. GRCh37 (hg19) VCF-style: chr16-920811-G-A.
Other names: c.499C>T, p.Leu167Phe (NM_001352017.2, NM_001352021.2); c.751C>T, p.Leu251Phe (NM_001352018.2); c.823C>T, p.Leu275Phe (NM_001352019.2); c.1150C>T, p.Leu384Phe (NM_001352020.1); short protein forms L167F, L275F, L251F, L384F.
Identifiers: ClinVar variation 1733981 (VCV001733981.2), dbSNP rs1182549623, ClinGen allele CA394126465.

ClinVar aggregate classification (germline): Uncertain significance (1 of 4 stars; one submission).

Conditions:
Cardiovascular phenotype. Identifiers: MedGen CN230736.

Allele frequency attached by ClinVar (database versions not stated): TOPMed below 0.00001; gnomAD 0.00001.
gnomAD v4.1: 3 of 1,612,626 alleles (0.00019%); highest among the groups gnomAD compares: Admixed American, 0.0017%; no homozygotes.

Submission:

Ambry Genetics
Classification: Uncertain significance for Cardiovascular phenotype. Last evaluated: 2021-11-28. Review status: criteria provided, single submitter. Criteria: Ambry Variant Classification Scheme 2023. Collection method: clinical testing. Allele origin: germline.
Comment: The p.L384F variant (also known as c.1150C>T), located in coding exon 8 of the LMF1 gene, results from a C to T substitution at nucleotide position 1150. The leucine at codon 384 is replaced by phenylalanine, an amino acid with highly similar properties. This amino acid position is conserved. In addition, this alteration is predicted to be tolerated by in silico analysis. Since supporting evidence is limited at this time, the clinical significance of this alteration remains unclear.